The following is an entry in ClinVar:

NM_013275.6(ANKRD11):c.3927G>A (p.Thr1309=)

Gene: ANKRD11 (ankyrin repeat domain 11; minus strand). Cytogenetic location: 16q24.3.
Variant type: single nucleotide variant.
Coding change: c.3927G>A on transcript NM_013275.6 (MANE Select); coding-DNA position 3927, G replaced by A.
Protein change: p.Thr1309=; no amino-acid change (threonine 1309 retained).
Molecular consequence: synonymous variant.
Genome position (GRCh38, 1-based): chr16:89,282,615, C>T on the plus strand (G>A on the coding strand, the complement: ANKRD11 is on the minus strand). VCF-style: chr16-89282615-C-T. GRCh37 (hg19) VCF-style: chr16-89349023-C-T.
Other names: c.3927G>A (NM_013275.4); c.3927G>A, p.Thr1309= (NM_001256182.2, NM_001256183.2).
Identifiers: ClinVar variation 703704 (VCV000703704.56), dbSNP rs143428884, ClinGen allele CA8242256.
Genomic context (GRCh38, chr16:89,282,615, plus strand): 5'-AGGTGGCTCCGTGAAAGAGACCTCCAGGAAGGCAGTCAGCCCCGGCTCCTGCCCTCGGTC[C>T]GTGAAGCTGTCAGAGGAGACCTCGCTGATTTTATCGTTGGAGTCTTCTCTGTACTCATGG-3'
Protein context (NP_037407.4, residues 1299-1319): KISEVSSDSF[Thr1309=]DRGQEPGLTA

ClinVar aggregate classification (germline): Benign/Likely benign. Review status: criteria provided, multiple submitters, no conflicts (2 of 4 stars). 9 submissions from 9 submitters: Benign (4); Likely benign (4). 1 of the submissions does not count toward it. Last evaluated 2026-07-01.

Conditions:
Inborn genetic diseases. Identifiers: MedGen C0950123, MeSH D030342.
ANKRD11-related disorder. Also called: ANKRD11-related condition.
KBG syndrome (KBGS). Also called: ANKRD11-Related KBG Syndrome. Identifiers: Orphanet 2332, MedGen C0220687, MONDO:0007846, OMIM 148050.

Allele frequency attached by ClinVar (database versions not stated): 1000 Genomes Project 30x 0.00031; 1000 Genomes Project 0.00040; TOPMed 0.00132; ESP Exome Variant Server 0.00139.
gnomAD v4.1: 2,686 of 1,614,154 alleles (0.17%); highest among the groups gnomAD compares: Non-Finnish European, 0.16%; 7 homozygotes.

Submissions (9):

CeGaT Center for Human Genetics Tuebingen
Classification: Likely benign. Last evaluated: 2026-07-01. Review status: criteria provided, single submitter. Criteria: CeGaT Center For Human Genetics Tuebingen Variant Classification Criteria Version 2. Collection method: clinical testing. Allele origin: germline. Affected: yes. Observed: 23 variant alleles.
Comment: ANKRD11: BP4, BP7, BS1

Labcorp Genetics (formerly Invitae), Labcorp
Classification: Benign for KBG syndrome. Last evaluated: 2026-01-26. Review status: criteria provided, single submitter. Criteria: Invitae Variant Classification Sherloc (09022015). Collection method: clinical testing. Allele origin: germline.

Blueprint Genetics
Classification: Likely benign. Last evaluated: 2024-11-21. Review status: criteria provided, single submitter. Criteria: ACMG Guidelines, 2015. Collection method: clinical testing. Allele origin: germline.

ARUP Laboratories, Molecular Genetics and Genomics, ARUP Laboratories
Classification: Benign for KBG syndrome. Last evaluated: 2024-11-07. Review status: criteria provided, single submitter. Criteria: ARUP Molecular Germline Variant Investigation Process 2024. Collection method: clinical testing. Allele origin: germline.

Genome-Nilou Lab
Classification: Benign for KBG syndrome. Last evaluated: 2021-12-05. Review status: criteria provided, single submitter. Criteria: ACMG Guidelines, 2015. Collection method: clinical testing. Allele origin: germline. Affected: no.

GeneDx
Classification: Benign. Last evaluated: 2019-01-28. Review status: criteria provided, single submitter. Criteria: GeneDx Variant Classification Process June 2021. Collection method: clinical testing. Allele origin: germline. Affected: yes.

Ambry Genetics
Classification: Likely benign for Inborn genetic diseases. Last evaluated: 2017-06-27. Review status: criteria provided, single submitter. Criteria: Ambry Variant Classification Scheme 2023. Collection method: clinical testing. Allele origin: germline.

Breakthrough Genomics
Classification: Likely benign. Review status: criteria provided, single submitter. Criteria: ACMG Guidelines, 2015. Collection method: not provided. Allele origin: germline. Inheritance: Autosomal dominant inheritance. Affected: yes.

PreventionGenetics, part of Exact Sciences
Classification: Likely benign for ANKRD11-related condition. Last evaluated: 2019-03-07. Review status: no assertion criteria provided. Collection method: clinical testing. Allele origin: germline. Not counted in ClinVar's aggregate classification.
Comment: This variant is classified as likely benign based on ACMG/AMP sequence variant interpretation guidelines (Richards et al. 2015 PMID: 25741868, with internal and published modifications).